The following is an entry in ClinVar:

NM_170707.4(LMNA):c.1609-1G>A

Gene: LMNA (lamin A/C; plus strand). Cytogenetic location: 1q22.
Variant type: single nucleotide variant.
Coding change: c.1609-1G>A on transcript NM_170707.4 (MANE Select); the canonical splice acceptor site of the intron before coding-DNA position 1609, G replaced by A.
Molecular consequence: splice acceptor variant. On other transcripts: intron variant (1).
Genome position (GRCh38, 1-based): chr1:156,137,653, G>A. VCF-style: chr1-156137653-G-A. GRCh37 (hg19) VCF-style: chr1-156107444-G-A.
Other names: c.1312-1G>A (NM_001406988.1); c.1051-1G>A (NM_001406997.1, NM_001407002.1, NM_001406993.1 and 4 more transcripts); c.1609-1G>A (NM_001406983.1, NM_001282625.2, NM_001406984.1 and 5 more transcripts); c.985-1G>A (NM_001406999.1, NM_001407000.1, NM_001406994.1 and 1 more transcripts); c.1366-1G>A (NM_001406986.1, NM_001406987.1, NM_001282624.2); c.1608+421G>A (NM_170708.4); c.1273-1G>A (NM_001406989.1, NM_001257374.3, NM_001406998.1).
Identifiers: ClinVar variation 179809 (VCV000179809.16), dbSNP rs111569862, ClinGen allele CA017570.
Genomic context (GRCh38, chr1:156,137,653, plus strand): 5'-GACATGCTGTACAACCCTTCCCTGGCCCTGACCCTTGGACCTGGTTCCATGTCCCCACCA[G>A]GAAGTGGCCATGCGCAAGCTGGTGCGCTCAGTGACTGTGGTTGAGGACGACGAGGATGAG-3'

ClinVar aggregate classification (germline): Pathogenic/Likely pathogenic. Review status: criteria provided, multiple submitters, no conflicts (2 of 4 stars). 4 submissions from 4 submitters: Pathogenic (1); Likely pathogenic (3). Last evaluated 2022-08-12.

Conditions:
Charcot-Marie-Tooth disease type 2. Also called: Charcot-Marie-Tooth type 2. Identifiers: Orphanet 64746, MedGen C0270914, MONDO:0018993.
Primary dilated cardiomyopathy (DCM). Also called: Dilated Cardiomyopathy. Identifiers: Orphanet 217604, MedGen C0007193, MeSH D002311, MONDO:0005021, HP:0001644. Inheritance: Various modes of inheritance.

Submissions (4):

GeneDx
Classification: Likely pathogenic. Last evaluated: 2022-08-12. Review status: criteria provided, single submitter. Criteria: GeneDx Variant Classification Process June 2021. Collection method: clinical testing. Allele origin: germline. Affected: yes.
Comment: Canonical splice site variant expected to result in aberrant splicing, although in the absence of functional evidence the actual effect of this sequence change is unknown; Not observed at significant frequency in large population cohorts (gnomAD); This variant is associated with the following publications: (PMID: 18714801, 15678000, 16199547, 18585512, 28125396, 18926329, 27884249, 29497013)

Labcorp Genetics (formerly Invitae), Labcorp
Classification: Likely pathogenic for Charcot-Marie-Tooth disease type 2. Last evaluated: 2022-01-05. Review status: criteria provided, single submitter. Criteria: Invitae Variant Classification Sherloc (09022015). Collection method: clinical testing. Allele origin: germline.
Comment: In summary, the currently available evidence indicates that the variant is pathogenic, but additional data are needed to prove that conclusively. Therefore, this variant has been classified as Likely Pathogenic. Algorithms developed to predict the effect of sequence changes on RNA splicing suggest that this variant may disrupt the consensus splice site. ClinVar contains an entry for this variant (Variation ID: 179809). Disruption of this splice site has been observed in individual(s) with clinical features of autosomal dominant LMNA-related conditions (PMID: 27884249, 29497013). This variant is not present in population databases (gnomAD no frequency). This sequence change affects an acceptor splice site in intron 9 of the LMNA gene. It is expected to disrupt RNA splicing. Variants that disrupt the donor or acceptor splice site typically lead to a loss of protein function (PMID: 16199547), and loss-of-function variants in LMNA are known to be pathogenic (PMID: 18585512, 18926329).

Laboratory for Molecular Medicine, Mass General Brigham Personalized Medicine
Classification: Likely pathogenic for Primary dilated cardiomyopathy. Last evaluated: 2017-08-25. Review status: criteria provided, single submitter. Criteria: LMM Criteria. Collection method: clinical testing. Allele origin: germline. Observed: 3 variant alleles.
Comment: This variant has not be en identified in large population studies. A nearby variant at the same splice j unction (c.1609-3C>G) has been reported in one individual with LGMD and was foun d to segregate with disease in 5 symptomatic relatives (Chrestian 2008), all of whom had cardiac involvement. The c.1609-1G>A variant occurs in the invariant re gion (+/- 1/2) of the splice consensus sequence and is predicted to cause altere d splicing leading to an abnormal or absent protein. In summary, although additi onal studies are required to fully establish its clinical significance, the c.16 09-1G>A variant is likely pathogenic.

Eurofins Ntd Llc (ga)
Classification: Pathogenic. Last evaluated: 2016-02-09. Review status: criteria provided, single submitter. Criteria: EGL Classification Definitions 2015. Collection method: clinical testing. Allele origin: germline. Observed: 1 variant allele, 1 heterozygote.

Literature cited by the submitters: PubMed 27884249 (cited by Labcorp Genetics (formerly Invitae), Labcorp and Laboratory for Molecular Medicine, Mass General Brigham Personalized Medicine); PubMed 29497013 (cited by Labcorp Genetics (formerly Invitae), Labcorp); PubMed 16199547 (cited by Labcorp Genetics (formerly Invitae), Labcorp); PubMed 18585512 (cited by Labcorp Genetics (formerly Invitae), Labcorp); PubMed 18926329 (cited by Labcorp Genetics (formerly Invitae), Labcorp); PubMed 18714801 (cited by Laboratory for Molecular Medicine, Mass General Brigham Personalized Medicine).